The following is an entry in ClinVar:

ClinVar aggregate classification (germline): Uncertain significance (1 of 4 stars; one submission).

Conditions:
Progressive myoclonic epilepsy type 5. Identifiers: Orphanet 402082, MedGen C5190799.

Allele frequency attached by ClinVar (database versions not stated): TOPMed below 0.00001; gnomAD 0.00001.
gnomAD v4.1: 6 of 1,614,052 alleles (0.00037%); highest among the groups gnomAD compares: Admixed American, 0.0033%; no homozygotes.

Submission:

Labcorp Genetics (formerly Invitae), Labcorp
Classification: Uncertain significance for Progressive myoclonic epilepsy type 5. Last evaluated: 2021-10-13. Review status: criteria provided, single submitter. Criteria: Invitae Variant Classification Sherloc (09022015). Collection method: clinical testing. Allele origin: germline.
Comment: This sequence change replaces arginine with cysteine at codon 563 of the PRICKLE2 protein (p.Arg563Cys). The arginine residue is highly conserved and there is a large physicochemical difference between arginine and cysteine. This variant is not present in population databases (ExAC no frequency). This variant has not been reported in the literature in individuals affected with PRICKLE2-related conditions. Algorithms developed to predict the effect of missense changes on protein structure and function (SIFT, PolyPhen-2, Align-GVGD) all suggest that this variant is likely to be disruptive. In summary, the available evidence is currently insufficient to determine the role of this variant in disease. Therefore, it has been classified as a Variant of Uncertain Significance.

NM_198859.4(PRICKLE2):c.1687C>T (p.Arg563Cys)

Genes: PRICKLE2 (prickle planar cell polarity protein 2; minus strand), PRICKLE2-AS1 (PRICKLE2 antisense RNA 1; plus strand). Cytogenetic location: 3p14.1.
Variant type: single nucleotide variant.
Coding change: c.1687C>T on transcript NM_198859.4 (MANE Select); coding-DNA position 1687, C replaced by T.
Protein change: p.Arg563Cys; replaces arginine 563 with cysteine.
Molecular consequence: missense variant. On other transcripts: non-coding transcript variant (1).
Genome position (GRCh38, 1-based): chr3:64,099,899, G>A on the plus strand (C>T on the coding strand, the complement: PRICKLE2 is on the minus strand). VCF-style: chr3-64099899-G-A. GRCh37 (hg19) VCF-style: chr3-64085575-G-A.
Other names: c.1687C>T, p.Arg563Cys (NM_001370528.1); short protein forms R563C.
Identifiers: ClinVar variation 1480215 (VCV001480215.6), dbSNP rs1277522148, ClinGen allele CA353428367.